The following is an entry in ClinVar:

ClinVar aggregate classification (germline): Pathogenic. Review status: criteria provided, multiple submitters, no conflicts (2 of 4 stars). 5 submissions from 5 submitters: Pathogenic (4). 1 of the submissions does not count toward it. Last evaluated 2025-08-04.

Conditions:
L1CAM-related disorder. Also called: L1CAM-related condition.
Spastic paraplegia. Identifiers: MedGen C0037772, HP:0001258.
L1 syndrome. Identifiers: Orphanet 275543, MedGen C5779710, MONDO:0017140.
X-linked hydrocephalus syndrome (HYCX). Also called: X-Linked Hydrocephalus with Stenosis of the Aqueduct of Sylvius; X-Linked Hydrocephalus with Stenosis of the Aqueduct of Sylvius (HSAS); HYDROCEPHALUS, CONGENITAL, X-LINKED; AQUEDUCTAL STENOSIS, X-LINKED; X-linked hydrocephalus. Identifiers: Orphanet 2182, MedGen C0265216, MONDO:0010611, OMIM 307000.

Allele frequency attached by ClinVar (database versions not stated): gnomAD exomes 0.00001 and below 0.00001.
gnomAD v4.1: 2 of 1,211,656 alleles (0.00017%); highest among the groups gnomAD compares: Non-Finnish European, 0.00022%; no homozygotes.

Submissions (5):

Labcorp Genetics (formerly Invitae), Labcorp
Classification: Pathogenic for Spastic paraplegia. Last evaluated: 2025-08-04. Review status: criteria provided, single submitter. Criteria: Invitae Variant Classification Sherloc (09022015). Collection method: clinical testing. Allele origin: germline.
Comment: This sequence change replaces valine, which is neutral and non-polar, with methionine, which is neutral and non-polar, at codon 752 of the L1CAM protein (p.Val752Met). The frequency data for this variant in the population databases is considered unreliable, as metrics indicate poor data quality at this position in the gnomAD database. This missense change has been observed in individual(s) with L1CAM-related conditions (PMID: 9268105, 11857550, 17328266, 19953645, 23820807). ClinVar contains an entry for this variant (Variation ID: 9998). Invitae Evidence Modeling of protein sequence and biophysical properties (such as structural, functional, and spatial information, amino acid conservation, physicochemical variation, residue mobility, and thermodynamic stability) has been performed for this missense variant. However, the output from this modeling did not meet the statistical confidence thresholds required to predict the impact of this variant on L1CAM protein function. Experimental studies have shown that this missense change affects L1CAM function (PMID: 11772994). For these reasons, this variant has been classified as Pathogenic.

Victorian Clinical Genetics Services, Murdoch Childrens Research Institute
Classification: Pathogenic for L1 syndrome. Last evaluated: 2025-07-14. Review status: criteria provided, single submitter. Criteria: ACMG Guidelines, 2015. Collection method: clinical testing. Allele origin: germline. Affected: no.
Comment: This variant is classified as Pathogenic. Evidence in support of pathogenic classification: Variant is present in gnomAD <0.01 for a recessive condition (v4: 2 heterozygote, 0 homozygotes, 0 hemizygotes); This variant has strong previous evidence of pathogenicity in unrelated individuals. It has been reported in multiple hemizygous male individuals with hydrocephalus (PMID: 11857550, 9268105, 17328266, 35088901). Additionally, it has been reported as pathogenic by a clinical laboratory (ClinVar); This variant has moderate functional evidence supporting abnormal protein function. It has been shown to reduce homophilic L1 binding and TAX-1 binding, as well as having reduced cell surface expression, relative to wild-type protein (PMID: 11772994). Additional information: Variant is predicted to result in a missense amino acid change from valine to methionine; This variant is heterozygous; This gene is associated with X-linked recessive disease; No comparable missense variants have previous evidence for pathogenicity; Variant is located in the annotated fibronectin type III domain (DECIPHER; PMID: 11772994); Missense variant with conflicting in silico predictions and high conservation; Loss of function is a known mechanism of disease in this gene and is associated with partial agenesis of corpus callosum (MIM#304100), congenital hydrocephalus (MIM#307000), and MASA syndrome (MIM#303350); Variants in this gene are known to have variable expressivity. Both interfamilial and intrafamilial variability have been reported (PMID: 7562969, 16650080).

PreventionGenetics, part of Exact Sciences
Classification: Pathogenic for L1CAM-related condition. Last evaluated: 2025-06-30. Review status: criteria provided, single submitter. Criteria: ACMG Guidelines, 2015. Collection method: clinical testing. Allele origin: germline.
Comment: The L1CAM c.2254G>A variant is predicted to result in the amino acid substitution p.Val752Met. This variant has been reported in multiple hemizygous males with X-linked L1-Syndrome (Lei et al. 2022. PubMed ID: 35088901; Fu et al. 2022. PubMed ID: 36307859; Gu et al. 1997. PubMed ID: 9268105; Parisi et al. 2002. PubMed ID: 11857550). This variant is reported in 0.0012% of alleles in individuals of European (Non-Finnish) descent in gnomAD. This variant is interpreted as pathogenic.

GeneDx
Classification: Pathogenic. Last evaluated: 2024-11-12. Review status: criteria provided, single submitter. Criteria: GeneDx Variant Classification Process June 2021. Collection method: clinical testing. Allele origin: germline. Affected: yes.
Comment: Published functional studies demonstrate a damaging effect including reduced homophilic binding and reduced binding to TAX-1 (PMID: 11772994); In silico analysis supports that this missense variant has a deleterious effect on protein structure/function; Not observed at significant frequency in large population cohorts (gnomAD); This variant is associated with the following publications: (PMID: 35088901, 10767310, 19846429, 36307859, 33768880, 37453721, Ahmed2023[casereport], 25641508, 9268105, 11857550, 11772994, 17328266)

OMIM
Classification: Pathogenic for HYDROCEPHALUS, CONGENITAL, X-LINKED. Last evaluated: 2002-02-15. Review status: no assertion criteria provided. Collection method: literature only. Allele origin: germline. Not counted in ClinVar's aggregate classification.

Literature cited by the submitters: PubMed 9268105 (cited by Labcorp Genetics (formerly Invitae), Labcorp and Victorian Clinical Genetics Services, Murdoch Childrens Research Institute); PubMed 11857550 (cited by 3 submitters); PubMed 17328266 (cited by Labcorp Genetics (formerly Invitae), Labcorp and Victorian Clinical Genetics Services, Murdoch Childrens Research Institute); PubMed 19953645 (cited by Labcorp Genetics (formerly Invitae), Labcorp); PubMed 23820807 (cited by Labcorp Genetics (formerly Invitae), Labcorp); PubMed 11772994 (cited by Labcorp Genetics (formerly Invitae), Labcorp and Victorian Clinical Genetics Services, Murdoch Childrens Research Institute); PubMed 16650080 (cited by Victorian Clinical Genetics Services, Murdoch Childrens Research Institute); PubMed 35088901 (cited by Victorian Clinical Genetics Services, Murdoch Childrens Research Institute); PubMed 7562969 (cited by Victorian Clinical Genetics Services, Murdoch Childrens Research Institute).

NM_001278116.2(L1CAM):c.2254G>A (p.Val752Met)

Gene: L1CAM (L1 cell adhesion molecule; minus strand). Cytogenetic location: Xq28.
Variant type: single nucleotide variant.
Coding change: c.2254G>A on transcript NM_001278116.2 (MANE Select); coding-DNA position 2254, G replaced by A.
Protein change: p.Val752Met; replaces valine 752 with methionine.
Molecular consequence: missense variant.
Genome position (GRCh38, 1-based): chrX:153,866,826, C>T on the plus strand (G>A on the coding strand, the complement: L1CAM is on the minus strand). VCF-style: chrX-153866826-C-T. GRCh37 (hg19) VCF-style: chrX-153132281-C-T.
Other names: L1CAM, VAL752MET; c.2254G>A (NM_000425.4, NM_001278116.1); c.2254G>A, p.Val752Met (NM_000425.5, NM_024003.3); c.2239G>A, p.Val747Met (NM_001143963.2); short protein forms V752M, V747M.
Identifiers: ClinVar variation 9998 (VCV000009998.12), dbSNP rs137852525, ClinGen allele CA120881.